The following is an entry in ClinVar:

ClinVar aggregate classification (germline): Pathogenic (1 of 4 stars; one submission).

Conditions:
Gorlin syndrome. Also called: Nevoid Basal Cell Carcinoma Syndrome; Basal cell nevus syndrome. Identifiers: Orphanet 377, MedGen C0004779, MONDO:0007187.

Submission:

Labcorp Genetics (formerly Invitae), Labcorp
Classification: Pathogenic for Gorlin syndrome. Last evaluated: 2025-03-16. Review status: criteria provided, single submitter. Criteria: Invitae Variant Classification Sherloc (09022015). Collection method: clinical testing. Allele origin: germline.
Comment: This sequence change affects an acceptor splice site in intron 20 of the PTCH1 gene. It is expected to disrupt RNA splicing. Variants that disrupt the donor or acceptor splice site typically lead to a loss of protein function (PMID: 16199547), and loss-of-function variants in PTCH1 are known to be pathogenic (PMID: 16301862, 16419085). This variant is not present in population databases (gnomAD no frequency). Disruption of this splice site has been observed in individuals with nevoid basal cell carcinoma syndrome (NBCCS) (PMID: 16088933; internal data). ClinVar contains an entry for this variant (Variation ID: 215986). Algorithms developed to predict the effect of sequence changes on RNA splicing suggest that this variant may disrupt the consensus splice site. For these reasons, this variant has been classified as Pathogenic.

Literature cited by the submitters: PubMed 16199547; PubMed 16301862; PubMed 16419085; PubMed 16088933.

NM_000264.5(PTCH1):c.3450-2A>G

Gene: PTCH1 (patched 1; minus strand). Cytogenetic location: 9q22.32.
Variant type: single nucleotide variant.
Coding change: c.3450-2A>G on transcript NM_000264.5 (MANE Select); the canonical splice acceptor site of the intron before coding-DNA position 3450, A replaced by G.
Molecular consequence: splice acceptor variant.
Genome position (GRCh38, 1-based): chr9:95,449,942, T>C on the plus strand (A>G on the coding strand, the complement: PTCH1 is on the minus strand). VCF-style: chr9-95449942-T-C. GRCh37 (hg19) VCF-style: chr9-98212224-T-C.
Other names: c.3447-2A>G (NM_001083603.3); c.3252-2A>G (NM_001083602.3); c.3294-2A>G (NM_001354918.2); c.2997-2A>G (NM_001083605.3, NM_001083604.3, NM_001083606.3 and 1 more transcripts).
Identifiers: ClinVar variation 215986 (VCV000215986.10), dbSNP rs863224443, ClinGen allele CA336742.